The following is an entry in ClinVar:

ClinVar aggregate classification (germline): Uncertain significance. Review status: criteria provided, multiple submitters, no conflicts (2 of 4 stars). 3 submissions from 3 submitters: Uncertain significance (2). 1 of the submissions does not count toward it. Last evaluated 2023-06-13.

Conditions:
Retinitis pigmentosa 25 (RP25). Identifiers: Orphanet 791, MedGen C1864446, MONDO:0011272, OMIM 602772.

Allele frequency attached by ClinVar (database versions not stated): gnomAD exomes below 0.00001; gnomAD 0.00001; 1000 Genomes Project 30x 0.00016; 1000 Genomes Project 0.00020.
gnomAD v4.1: 5 of 1,551,388 alleles (0.00032%); highest among the groups gnomAD compares: East Asian, 0.0024%; no homozygotes.

Submissions (3):

Blueprint Genetics
Classification: Uncertain significance. Last evaluated: 2023-06-13. Review status: criteria provided, single submitter. Criteria: ACMG Guidelines, 2015. Collection method: clinical testing. Allele origin: germline.

Labcorp Genetics (formerly Invitae), Labcorp
Classification: Uncertain significance. Last evaluated: 2022-01-15. Review status: criteria provided, single submitter. Criteria: Invitae Variant Classification Sherloc (09022015). Collection method: clinical testing. Allele origin: germline.
Comment: This sequence change replaces threonine, which is neutral and polar, with isoleucine, which is neutral and non-polar, at codon 1778 of the EYS protein (p.Thr1778Ile). This variant is not present in population databases (gnomAD no frequency). This variant has not been reported in the literature in individuals affected with EYS-related conditions. ClinVar contains an entry for this variant (Variation ID: 837757). Algorithms developed to predict the effect of missense changes on protein structure and function output the following: SIFT: "Tolerated"; PolyPhen-2: "Benign"; Align-GVGD: "Class C0". The isoleucine amino acid residue is found in multiple mammalian species, which suggests that this missense change does not adversely affect protein function. In summary, the available evidence is currently insufficient to determine the role of this variant in disease. Therefore, it has been classified as a Variant of Uncertain Significance.

Natera, Inc.
Classification: Uncertain significance for Retinitis pigmentosa type 25. Last evaluated: 2021-03-02. Review status: no assertion criteria provided. Collection method: clinical testing. Allele origin: germline. Not counted in ClinVar's aggregate classification.

NM_001142800.2(EYS):c.5333C>T (p.Thr1778Ile)

Gene: EYS (EGF-like photoreceptor maintenance factor; minus strand). Cytogenetic location: 6q12.
Variant type: single nucleotide variant.
Coding change: c.5333C>T on transcript NM_001142800.2 (MANE Select); coding-DNA position 5333, C replaced by T.
Protein change: p.Thr1778Ile; replaces threonine 1778 with isoleucine.
Molecular consequence: missense variant.
Genome position (GRCh38, 1-based): chr6:64,590,534, G>A on the plus strand (C>T on the coding strand, the complement: EYS is on the minus strand). VCF-style: chr6-64590534-G-A. GRCh37 (hg19) VCF-style: chr6-65300427-G-A.
Other names: c.5333C>T, p.Thr1778Ile (NM_001292009.2); short protein forms T1778I.
Identifiers: ClinVar variation 837757 (VCV000837757.9), dbSNP rs566440637, ClinGen allele CA140340882.
Genomic context (GRCh38, chr6:64,590,534, plus strand): 5'-GCTGAAACTGTATAAAATGCAACATTGGTGGTGACTTCTGAAAAATCAGGCACTGAGCCT[G>A]TCAATGGTGGCAGATTATTTTTGAAGTCATTTGCATGTGTAATTTCTGAATATGTCTTTA-3'
Protein context (NP_001136272.1, residues 1768-1788): NDFKNNLPPL[Thr1778Ile]GSVPDFSEVT